The following is an entry in ClinVar:

ClinVar aggregate classification (germline): Conflicting classifications of pathogenicity. Review status: criteria provided, conflicting classifications (1 of 4 stars). 5 submissions from 5 submitters: Uncertain significance (1); Benign (1); Likely benign (3). Last evaluated 2026-01-31.

Conditions:
Noonan syndrome 2 (NS2). Identifiers: Orphanet 648, MedGen C1854469, MONDO:0011531, OMIM 605275.
Hereditary cancer-predisposing syndrome. Also called: Hereditary Cancer Syndrome; Neoplastic Syndromes, Hereditary; Tumor predisposition; Hereditary neoplastic syndrome. Identifiers: Orphanet 140162, MedGen C0027672, MeSH D009386, MONDO:0015356.
Cardiovascular phenotype. Identifiers: MedGen CN230736.

Allele frequency attached by ClinVar (database versions not stated): gnomAD exomes 0.00015; ExAC 0.00016; 1000 Genomes Project 30x 0.00047; 1000 Genomes Project 0.00060; ESP Exome Variant Server 0.00062; TOPMed 0.00081.
gnomAD v4.1: 201 of 1,613,470 alleles (0.012%); highest among the groups gnomAD compares: African/African-American, 0.23%; no homozygotes.

Submissions (5):

Labcorp Genetics (formerly Invitae), Labcorp
Classification: Likely benign. Last evaluated: 2026-01-31. Review status: criteria provided, single submitter. Criteria: Invitae Variant Classification Sherloc (09022015). Collection method: clinical testing. Allele origin: germline.

Ambry Genetics
Classification: Benign for Cardiovascular phenotype; Hereditary cancer-predisposing syndrome. Last evaluated: 2021-10-28. Review status: criteria provided, single submitter. Criteria: Ambry Variant Classification Scheme 2023. Collection method: clinical testing. Allele origin: germline.

Women's Health and Genetics/Laboratory Corporation of America, LabCorp
Classification: Likely benign. Last evaluated: 2020-10-19. Review status: criteria provided, single submitter. Criteria: LabCorp Variant Classification Summary - May 2015. Collection method: clinical testing. Allele origin: germline.
Comment: Variant summary: LZTR1 c.594-3C>T alters a non-conserved nucleotide located close to a canonical splice site and therefore could affect mRNA splicing, leading to a significantly altered protein sequence. 4/4 computational tools predict no significant impact on normal splicing. However, these predictions have yet to be confirmed by functional studies. The variant allele was found at a frequency of 0.00015 in 250884 control chromosomes, predominantly at a frequency of 0.002 within the African or African-American subpopulation in the gnomAD database. The observed variant frequency within African or African-American control individuals in the gnomAD database is approximately 400 fold of the estimated maximal expected allele frequency for a pathogenic variant in LZTR1 causing Noonan Syndrome phenotype (5e-06), strongly suggesting that the variant is a benign polymorphism found primarily in populations of African or African-American origin. To our knowledge, no occurrence of c.594-3C>T in individuals affected with Noonan Syndrome and no experimental evidence demonstrating its impact on protein function have been reported. No clinical diagnostic laboratories have submitted clinical-significance assessments for this variant to ClinVar after 2014. Based on the evidence outlined above, the variant was classified as likely benign.

Baylor Genetics
Classification: Uncertain significance for Noonan syndrome 2. Last evaluated: 2019-08-17. Review status: criteria provided, single submitter. Criteria: ACMG Guidelines, 2015. Collection method: clinical testing. Allele origin: unknown. Affected: yes.
Comment: This variant was determined to be of uncertain significance according to ACMG Guidelines, 2015 [PMID:25741868].

GeneDx
Classification: Likely benign. Last evaluated: 2018-07-12. Review status: criteria provided, single submitter. Criteria: GeneDx Variant Classification Process June 2021. Collection method: clinical testing. Allele origin: germline. Affected: yes.

NM_006767.4(LZTR1):c.594-3C>T

Gene: LZTR1 (leucine zipper like post translational regulator 1; plus strand). Cytogenetic location: 22q11.21.
Variant type: single nucleotide variant.
Coding change: c.594-3C>T on transcript NM_006767.4 (MANE Select); 3 bases into the intron before coding-DNA position 594, C replaced by T.
Molecular consequence: intron variant.
Genome position (GRCh38, 1-based): chr22:20,989,622, C>T. VCF-style: chr22-20989622-C-T. GRCh37 (hg19) VCF-style: chr22-21343911-C-T.
Identifiers: ClinVar variation 984472 (VCV000984472.15), dbSNP rs373968693, ClinGen allele CA10118519.